The following is an entry in ClinVar:

NM_001032283.3(TMPO):c.614G>A (p.Arg205Lys)

Gene: TMPO (thymopoietin; plus strand). Cytogenetic location: 12q23.1.
Variant type: single nucleotide variant.
Coding change: c.614G>A on transcript NM_001032283.3 (MANE Select); coding-DNA position 614, G replaced by A.
Protein change: p.Arg205Lys; replaces arginine 205 with lysine.
Molecular consequence: missense variant.
Genome position (GRCh38, 1-based): chr12:98,537,523, G>A. VCF-style: chr12-98537523-G-A. GRCh37 (hg19) VCF-style: chr12-98931301-G-A.
Other names: c.614G>A, p.Arg205Lys (NM_001032284.3, NM_001307975.2); short protein forms R205K.
Identifiers: ClinVar variation 179561 (VCV000179561.5), dbSNP rs727504952, ClinGen allele CA184663.

ClinVar aggregate classification (germline): Uncertain significance (1 of 4 stars; one submission).

Allele frequency attached by ClinVar (database versions not stated): TOPMed 0.00002; gnomAD exomes 0.00003 and 0.00004; ExAC 0.00004; gnomAD 0.00004.

Submission:

Laboratory for Molecular Medicine, Mass General Brigham Personalized Medicine
Classification: Uncertain significance. Last evaluated: 2014-02-06. Review status: criteria provided, single submitter. Criteria: LMM Criteria. Collection method: clinical testing. Allele origin: germline. Observed: 1 variant allele.
Comment: Variant classified as Uncertain Significance - Favor Benign. The Arg205Lys varia nt in TMPO has not been previously reported in individuals with cardiomyopathy a nd was absent from large population studies. Computational prediction tools and conservation analysis suggest that this variant may not impact the protein, thou gh this information is not predictive enough to rule out pathogenicity. In addit ion, two mammals (rat and mouse) carry a lysine (this variant) at this position, suggesting that this change may be tolerated. Although the presence of the vari ant in other mammals and all computational models supports that the Arg205Lys va riant may be benign, additional studies are needed to fully assess its clinical significance.